The following is an entry in ClinVar:

ClinVar aggregate classification (germline): Likely benign. Review status: criteria provided, multiple submitters, no conflicts (2 of 4 stars). 2 submissions from 2 submitters: Likely benign (2). Last evaluated 2026-05-05.

Conditions:
DST-related disorder. Also called: DST-related disorders; DST-related condition.
Epidermolysis bullosa simplex 3, localized or generalized intermediate, with BP230 deficiency (EBS3). Also called: Epidermolysis bullosa simplex due to BP230 deficiency; Epidermolysis bullosa simplex, autosomal recessive 2. Identifiers: Orphanet 412181, MedGen C3809470, MONDO:0014180, OMIM 615425.
Hereditary sensory and autonomic neuropathy type 6. Also called: HSAN VI; Neuropathy, hereditary sensory and autonomic, type VI. Identifiers: Orphanet 314381, MedGen C3539003, MONDO:0013839, OMIM 614653.

Allele frequency attached by ClinVar (database versions not stated): ExAC 0.00001; gnomAD exomes 0.00002 and 0.00007; TOPMed 0.00003; gnomAD 0.00005.
gnomAD v4.1: 115 of 1,613,608 alleles (0.0071%); highest among the groups gnomAD compares: Non-Finnish European, 0.0087%; no homozygotes.

Submissions (2):

PreventionGenetics, part of Exact Sciences
Classification: Likely benign for DST-related condition. Last evaluated: 2026-05-05. Review status: criteria provided, single submitter. Criteria: ACMG Guidelines, 2015. Collection method: clinical testing. Allele origin: germline.
Comment: This variant is classified as likely benign based on ACMG/AMP sequence variant interpretation guidelines (Richards et al. 2015 PMID: 25741868, with internal and published modifications).

Labcorp Genetics (formerly Invitae), Labcorp
Classification: Likely benign for Epidermolysis bullosa simplex 3, localized or generalized intermediate, with BP230 deficiency; Hereditary sensory and autonomic neuropathy type 6. Last evaluated: 2026-02-01. Review status: criteria provided, single submitter. Criteria: Invitae Variant Classification Sherloc (09022015). Collection method: clinical testing. Allele origin: germline.

NM_001723.7(DST):c.5346T>A (p.Leu1782=)

Gene: DST (dystonin; minus strand). Cytogenetic location: 6p12.1.
Variant type: single nucleotide variant.
Coding change: c.5346T>A on transcript NM_001723.7 (MANE Plus Clinical); coding-DNA position 5346, T replaced by A.
Protein change: p.Leu1782=; no amino-acid change (leucine 1782 retained).
Molecular consequence: synonymous variant. On other transcripts: intron variant (10).
Genome position (GRCh38, 1-based): chr6:56,618,688, A>T on the plus strand (T>A on the coding strand, the complement: DST is on the minus strand). VCF-style: chr6-56618688-A-T. GRCh37 (hg19) VCF-style: chr6-56483486-A-T.
Other names: c.4831-4204T>A (NM_001144769.5); c.4930-4204T>A (NM_001374722.1, NM_001374736.1); c.4957-4204T>A (NM_001374734.1); c.4417-4204T>A (NM_001144770.2); c.4297-4204T>A (NM_001374730.1, NM_001386100.1, NM_183380.4 and 1 more transcripts); c.3319-4204T>A (NM_015548.5).
Identifiers: ClinVar variation 357564 (VCV000357564.14), dbSNP rs769786699, ClinGen allele CA3870379.